The following is an entry in ClinVar:

NM_000135.4(FANCA):c.1195T>C (p.Cys399Arg)

Gene: FANCA (FA complementation group A; minus strand). Cytogenetic location: 16q24.3.
Variant type: single nucleotide variant.
Coding change: c.1195T>C on transcript NM_000135.4 (MANE Select); coding-DNA position 1195, T replaced by C.
Protein change: p.Cys399Arg; replaces cysteine 399 with arginine.
Molecular consequence: missense variant.
Genome position (GRCh38, 1-based): chr16:89,791,957, A>G on the plus strand (T>C on the coding strand, the complement: FANCA is on the minus strand). VCF-style: chr16-89791957-A-G. GRCh37 (hg19) VCF-style: chr16-89858365-A-G.
Other names: c.1195T>C (NM_000135.2); c.1195T>C, p.Cys399Arg (NM_001286167.3); short protein forms C399R.
Identifiers: ClinVar variation 1467645 (VCV001467645.9), dbSNP rs2040090935, ClinGen allele CA397466057.

ClinVar aggregate classification (germline): Uncertain significance. Review status: criteria provided, multiple submitters, no conflicts (2 of 4 stars). 2 submissions from 2 submitters: Uncertain significance (2). Last evaluated 2025-05-16.

Conditions:
Fanconi anemia (FA). Also called: Fanconi's anemia. Identifiers: Orphanet 84, MedGen C0015625, MeSH D005199, MONDO:0019391.
Inborn genetic diseases. Identifiers: MedGen C0950123, MeSH D030342.

Allele frequency attached by ClinVar (database versions not stated): gnomAD exomes below 0.00001; TOPMed below 0.00001.
gnomAD v4.1: 2 of 1,614,218 alleles (0.00012%); highest among the groups gnomAD compares: Middle Eastern, 0.016%; no homozygotes.

Submissions (2):

Ambry Genetics
Classification: Uncertain significance for Inborn genetic diseases. Last evaluated: 2025-05-16. Review status: criteria provided, single submitter. Criteria: Ambry Variant Classification Scheme 2023. Collection method: clinical testing. Allele origin: germline.
Comment: The p.C399R variant (also known as c.1195T>C), located in coding exon 13 of the FANCA gene, results from a T to C substitution at nucleotide position 1195. The cysteine at codon 399 is replaced by arginine, an amino acid with highly dissimilar properties. This amino acid position is conserved. In addition, this alteration is predicted to be deleterious by in silico analysis. Based on the available evidence, the clinical significance of this variant remains unclear.

Labcorp Genetics (formerly Invitae), Labcorp
Classification: Uncertain significance for Fanconi anemia. Last evaluated: 2021-07-07. Review status: criteria provided, single submitter. Criteria: Invitae Variant Classification Sherloc (09022015). Collection method: clinical testing. Allele origin: germline.
Comment: In summary, the available evidence is currently insufficient to determine the role of this variant in disease. Therefore, it has been classified as a Variant of Uncertain Significance. Algorithms developed to predict the effect of missense changes on protein structure and function (SIFT, PolyPhen-2, Align-GVGD) all suggest that this variant is likely to be tolerated. This variant has not been reported in the literature in individuals affected with FANCA-related conditions. This variant is not present in population databases (ExAC no frequency). This sequence change replaces cysteine with arginine at codon 399 of the FANCA protein (p.Cys399Arg). The cysteine residue is moderately conserved and there is a large physicochemical difference between cysteine and arginine.